The following is an entry in ClinVar:

ClinVar aggregate classification (germline): Uncertain significance (1 of 4 stars; one submission).

Conditions:
Hypertrophic cardiomyopathy 26. Also called: Cardiomyopathy, familial hypertrophic, 26. Identifiers: Orphanet 75249, MedGen C4310749, MONDO:0014883, OMIM 617047.
Dilated Cardiomyopathy, Dominant.
Myofibrillar myopathy 5. Also called: FILAMINOPATHY, AUTOSOMAL DOMINANT; Filaminopathy (type). Identifiers: Orphanet 171445, MedGen C1836050, MONDO:0012289, OMIM 609524.
Distal myopathy with posterior leg and anterior hand involvement. Also called: WILLIAMS DISTAL MYOPATHY. Identifiers: Orphanet 63273, MedGen C3279722, MONDO:0013550, OMIM 614065.

Submission:

Labcorp Genetics (formerly Invitae), Labcorp
Classification: Uncertain significance for Distal myopathy with posterior leg and anterior hand involvement; Myofibrillar myopathy 5; Hypertrophic cardiomyopathy 26. Last evaluated: 2018-10-02. Review status: criteria provided, single submitter. Criteria: Invitae Variant Classification Sherloc (09022015). Collection method: clinical testing. Allele origin: germline.
Comment: This variant disrupts a region of the protein in which other variant(s) (p.Gly2070Ser) have been observed in affected individuals (PMID: 27908349). This suggests that this may be a clinically significant region of the FLNC protein. Experimental studies and prediction algorithms are not available for this variant, and the functional significance of the affected amino acid(s) is currently unknown. In summary, the available evidence is currently insufficient to determine the role of this variant in disease. Therefore, it has been classified as a Variant of Uncertain Significance. This variant has not been reported in the literature in individuals with FLNC-related disease. This variant is a gross deletion of the genomic region encompassing exons 36-48 of the FLNC gene. The 5' boundary is likely confined to intron 37. The 3' end of this event is unknown as it extends through the termination codon beyond the assayed region for this gene and may encompass additional genes. While this deletion is not anticipated to result in nonsense mediated decay, it is expected to create a truncated protein product or disrupt mRNA translation.

Literature cited by the submitters: PubMed 27908349.

NC_000007.14:g.(?_128852581)_(128858533_?)del

Genes: FLNC (filamin C; plus strand), FLNC-AS1 (FLNC antisense RNA 1; minus strand). Cytogenetic location: 7q32.1.
Variant type: Deletion.
Identifiers: ClinVar variation 652959 (VCV000652959.9).